The following is an entry in ClinVar:

ClinVar aggregate classification (germline): Uncertain significance (1 of 4 stars; one submission).

Allele frequency attached by ClinVar (database versions not stated): gnomAD exomes below 0.00001.
gnomAD v4.1: 2 of 1,614,206 alleles (0.00012%); highest among the groups gnomAD compares: Non-Finnish European, 0.000085%; no homozygotes.

Submission:

Ambry Genetics
Classification: Uncertain significance. Last evaluated: 2022-04-12. Review status: criteria provided, single submitter. Criteria: Ambry Variant Classification Scheme 2023. Collection method: clinical testing. Allele origin: germline.
Comment: The p.I423V variant (also known as c.1267A>G), located in coding exon 13 of the NPAT gene, results from an A to G substitution at nucleotide position 1267. The isoleucine at codon 423 is replaced by valine, an amino acid with highly similar properties. This amino acid position is conserved. In addition, this alteration is predicted to be tolerated by in silico analysis. Since supporting evidence is limited at this time, the clinical significance of this alteration remains unclear.

NM_002519.3(NPAT):c.1267A>G (p.Ile423Val)

Gene: NPAT (nuclear protein, coactivator of histone transcription; minus strand). Cytogenetic location: 11q22.3.
Variant type: single nucleotide variant.
Coding change: c.1267A>G on transcript NM_002519.3 (MANE Select); coding-DNA position 1267, A replaced by G.
Protein change: p.Ile423Val; replaces isoleucine 423 with valine.
Molecular consequence: missense variant.
Genome position (GRCh38, 1-based): chr11:108,173,717, T>C on the plus strand (A>G on the coding strand, the complement: NPAT is on the minus strand). VCF-style: chr11-108173717-T-C. GRCh37 (hg19) VCF-style: chr11-108044444-T-C.
Other names: c.1267A>G, p.Ile423Val (NM_001321307.1); short protein forms I423V.
Identifiers: ClinVar variation 1764408 (VCV001764408.2), dbSNP rs2496721981, ClinGen allele CA382515804.